The following is an entry in ClinVar:

NM_004380.3(CREBBP):c.1627C>T (p.Pro543Ser)

Gene: CREBBP (CREB binding lysine acetyltransferase; minus strand). Cytogenetic location: 16p13.3.
Variant type: single nucleotide variant.
Coding change: c.1627C>T on transcript NM_004380.3 (MANE Select); coding-DNA position 1627, C replaced by T.
Protein change: p.Pro543Ser; replaces proline 543 with serine.
Molecular consequence: missense variant.
Genome position (GRCh38, 1-based): chr16:3,781,253, G>A on the plus strand (C>T on the coding strand, the complement: CREBBP is on the minus strand). VCF-style: chr16-3781253-G-A. GRCh37 (hg19) VCF-style: chr16-3831254-G-A.
Other names: c.1513C>T, p.Pro505Ser (NM_001079846.1); short protein forms P543S, P505S.
Identifiers: ClinVar variation 4996903 (VCV004996903.1).

ClinVar aggregate classification (germline): Uncertain significance (1 of 4 stars; one submission).

Conditions:
CREBBP-related disorder. Also called: CREBBP-related condition; CREBBP-related disorders.

Submission:

PreventionGenetics, part of Exact Sciences
Classification: Uncertain significance for CREBBP-related condition. Last evaluated: 2025-03-05. Review status: criteria provided, single submitter. Criteria: ACMG Guidelines, 2015. Collection method: clinical testing. Allele origin: germline.
Comment: The CREBBP c.1627C>T variant is predicted to result in the amino acid substitution p.Pro543Ser. To our knowledge, this variant has not been reported in the literature or in a large population database (gnomAD), indicating this variant is rare. At this time, the clinical significance of this variant is uncertain due to the absence of conclusive functional and genetic evidence.